The following is an entry in ClinVar:

NM_014874.4(MFN2):c.650G>T (p.Cys217Phe)

Gene: MFN2 (mitofusin 2; plus strand). Cytogenetic location: 1p36.22.
Variant type: single nucleotide variant.
Coding change: c.650G>T on transcript NM_014874.4 (MANE Select); coding-DNA position 650, G replaced by T.
Protein change: p.Cys217Phe; replaces cysteine 217 with phenylalanine.
Molecular consequence: missense variant.
Genome position (GRCh38, 1-based): chr1:11,998,820, G>T. VCF-style: chr1-11998820-G-T. GRCh37 (hg19) VCF-style: chr1-12058877-G-T.
Other names: c.650G>T, p.Cys217Phe (NM_001127660.2); short protein forms C217F.
Identifiers: ClinVar variation 663885 (VCV000663885.8), dbSNP rs1569842458, ClinGen allele CA338438080.

ClinVar aggregate classification (germline): Pathogenic (1 of 4 stars; one submission).

Conditions:
Charcot-Marie-Tooth disease type 2. Also called: Charcot-Marie-Tooth type 2. Identifiers: Orphanet 64746, MedGen C0270914, MONDO:0018993.

Submission:

Labcorp Genetics (formerly Invitae), Labcorp
Classification: Pathogenic for Charcot-Marie-Tooth disease type 2. Last evaluated: 2023-11-27. Review status: criteria provided, single submitter. Criteria: Invitae Variant Classification Sherloc (09022015). Collection method: clinical testing. Allele origin: germline.
Comment: This sequence change replaces cysteine, which is neutral and slightly polar, with phenylalanine, which is neutral and non-polar, at codon 217 of the MFN2 protein (p.Cys217Phe). This variant is not present in population databases (gnomAD no frequency). This missense change has been observed in individual(s) with autosomal dominant Charcot-Marie-Tooth disease (PMID: 26801520, 28810241, 35994048). In at least one individual the variant was observed to be de novo. ClinVar contains an entry for this variant (Variation ID: 663885). Advanced modeling of protein sequence and biophysical properties (such as structural, functional, and spatial information, amino acid conservation, physicochemical variation, residue mobility, and thermodynamic stability) performed at Invitae indicates that this missense variant is expected to disrupt MFN2 protein function with a positive predictive value of 95%. For these reasons, this variant has been classified as Pathogenic.

Literature cited by the submitters: PubMed 26801520; PubMed 28810241; PubMed 35994048.